The following is an entry in ClinVar:

ClinVar aggregate classification (germline): Benign. Review status: criteria provided, multiple submitters, no conflicts (2 of 4 stars). 14 submissions from 10 submitters: Benign (13). 1 of the submissions does not count toward it. Last evaluated 2026-02-04.

Conditions:
Autosomal recessive limb-girdle muscular dystrophy type 2Q (LGMDR17). Also called: MUSCULAR DYSTROPHY, LIMB-GIRDLE, AUTOSOMAL RECESSIVE 17. Identifiers: Orphanet 254361, MedGen C3150989, MONDO:0013390, OMIM 613723.
Epidermolysis bullosa simplex 5C, with pyloric atresia (EBS5C). Also called: PLEC-Related Epidermolysis Bullosa with Pyloric Atresia; Epidermolysis bullosa simplex with pyloric atresia; PLEC1-Related Epidermolysis Bullosa with Pyloric Atresia. Identifiers: Orphanet 158684, MedGen C2677349, MONDO:0012807, OMIM 612138.
Epidermolysis bullosa simplex 5B, with muscular dystrophy (EBS5B). Also called: EPIDERMOLYSIS BULLOSA SIMPLEX AND LIMB-GIRDLE MUSCULAR DYSTROPHY; Epidermolysis bullosa simplex with muscular dystrophy. Identifiers: Orphanet 257, MedGen C2931072, MONDO:0009181, OMIM 226670.
Epidermolysis bullosa simplex with nail dystrophy (EBS5D). Identifiers: MedGen C4225309, MONDO:0014661, OMIM 616487.
Epidermolysis bullosa simplex, Ogna type (EBS5A). Also called: EPIDERMOLYSIS BULLOSA SIMPLEX 5A, OGNA TYPE; Pidermolysis bullosa simplex 5A, Ogna type. Identifiers: Orphanet 79401, MedGen C0432317, MONDO:0007555, OMIM 131950.

Allele frequency attached by ClinVar (database versions not stated): 1000 Genomes Project 30x 0.22923; 1000 Genomes Project 0.23083; ESP Exome Variant Server 0.26498; TOPMed 0.28152; gnomAD 0.29936 and 0.30112; gnomAD exomes 0.33279 and 0.39646; ExAC 0.36871.
gnomAD v4.1: 612,324 of 1,582,652 alleles (39%); highest among the groups gnomAD compares: Non-Finnish European, 42%; 124,823 homozygotes.

Submissions (14):

Labcorp Genetics (formerly Invitae), Labcorp
Classification: Benign for Autosomal recessive limb-girdle muscular dystrophy type 2Q; Epidermolysis bullosa simplex, Ogna type; Epidermolysis bullosa simplex with nail dystrophy; Epidermolysis bullosa simplex 5C, with pyloric atresia; Epidermolysis bullosa simplex 5B, with muscular dystrophy. Last evaluated: 2026-02-04. Review status: criteria provided, single submitter. Criteria: Invitae Variant Classification Sherloc (09022015). Collection method: clinical testing. Allele origin: germline.

Blueprint Genetics
Classification: Benign. Last evaluated: 2024-11-27. Review status: criteria provided, single submitter. Criteria: ACMG Guidelines, 2015. Collection method: clinical testing. Allele origin: germline.

Genome-Nilou Lab
Classification: Benign for Epidermolysis bullosa simplex with nail dystrophy. Last evaluated: 2021-10-25. Review status: criteria provided, single submitter. Criteria: ACMG Guidelines, 2015. Collection method: clinical testing. Allele origin: germline. Affected: no.

Genome-Nilou Lab
Classification: Benign for Epidermolysis bullosa simplex, Ogna type. Last evaluated: 2021-10-25. Review status: criteria provided, single submitter. Criteria: ACMG Guidelines, 2015. Collection method: clinical testing. Allele origin: germline. Affected: no.

Genome-Nilou Lab
Classification: Benign for Epidermolysis bullosa simplex 5B, with muscular dystrophy. Last evaluated: 2021-10-25. Review status: criteria provided, single submitter. Criteria: ACMG Guidelines, 2015. Collection method: clinical testing. Allele origin: germline. Affected: no.

Genome-Nilou Lab
Classification: Benign for Epidermolysis bullosa simplex 5C, with pyloric atresia. Last evaluated: 2021-10-25. Review status: criteria provided, single submitter. Criteria: ACMG Guidelines, 2015. Collection method: clinical testing. Allele origin: germline. Affected: no.

Genome-Nilou Lab
Classification: Benign for Autosomal recessive limb-girdle muscular dystrophy type 2Q. Last evaluated: 2021-10-25. Review status: criteria provided, single submitter. Criteria: ACMG Guidelines, 2015. Collection method: clinical testing. Allele origin: germline. Affected: no.

Mayo Clinic Laboratories, Mayo Clinic
Classification: Benign. Last evaluated: 2017-07-24. Review status: criteria provided, single submitter. Criteria: ACMG Guidelines, 2015. Collection method: clinical testing. Allele origin: germline. Observed: 784 variant alleles.

GeneDx
Classification: Benign. Last evaluated: 2015-03-03. Review status: criteria provided, single submitter. Criteria: GeneDx Variant Classification Process June 2021. Collection method: clinical testing. Allele origin: germline. Affected: yes.

Laboratory for Molecular Medicine, Mass General Brigham Personalized Medicine
Classification: Benign. Last evaluated: 2015-01-13. Review status: criteria provided, single submitter. Criteria: LMM Criteria. Collection method: clinical testing. Allele origin: germline. Observed: 9 variant alleles.
Comment: p.Leu1321Leu in exon 27 of PLEC: This variant is not expected to have clinical s ignificance because it does not alter an amino acid residue and is not located w ithin the splice consensus sequence. It has been identified in 35.9% (2835/7900) of European American chromosomes from a broad population by the NHLBI Exome Seq uencing Project (dbSNP rs3135109).

Eurofins Ntd Llc (ga)
Classification: Benign. Last evaluated: 2013-05-08. Review status: criteria provided, single submitter. Criteria: EGL Classification Definitions 2015. Collection method: clinical testing. Allele origin: germline. Observed: 5 variant alleles, 2 heterozygotes, 3 homozygotes.

Breakthrough Genomics
Classification: Benign. Review status: criteria provided, single submitter. Criteria: ACMG Guidelines, 2015. Collection method: not provided. Allele origin: germline. Inheritance: Autosomal recessive inheritance. Affected: yes.

PreventionGenetics, part of Exact Sciences
Classification: Benign. Review status: criteria provided, single submitter. Criteria: ACMG Guidelines, 2015. Collection method: clinical testing. Allele origin: germline.

Genetic Services Laboratory, University of Chicago
Classification: Likely benign for AllHighlyPenetrant. Review status: no assertion criteria provided. Collection method: clinical testing. Allele origin: germline. Inheritance: Autosomal recessive inheritance. Not counted in ClinVar's aggregate classification.
Comment: Likely benign based on allele frequency in 1000 Genomes Project or ESP global frequency and its presence in a patient with a rare or unrelated disease phenotype. NOT Sanger confirmed.

NM_201384.3(PLEC):c.3550T>C (p.Leu1184=)

Gene: PLEC (plectin; minus strand). Cytogenetic location: 8q24.3.
Variant type: single nucleotide variant.
Coding change: c.3550T>C on transcript NM_201384.3 (MANE Select); coding-DNA position 3550, T replaced by C.
Protein change: p.Leu1184=; no amino-acid change (leucine 1184 retained).
Molecular consequence: synonymous variant.
Genome position (GRCh38, 1-based): chr8:143,927,616, A>G on the plus strand (T>C on the coding strand, the complement: PLEC is on the minus strand). VCF-style: chr8-143927616-A-G. GRCh37 (hg19) VCF-style: chr8-145001784-A-G.
Other names: p.Leu1170=; c.3631T>C, p.Leu1211= (NM_000445.5); c.3508T>C, p.Leu1170= (NM_201378.4); c.3484T>C, p.Leu1162= (NM_201379.3); c.3961T>C, p.Leu1321= (NM_201380.4); c.3454T>C, p.Leu1152= (NM_201381.3); c.3550T>C, p.Leu1184= (NM_201382.4); c.3562T>C, p.Leu1188= (NM_201383.3).
Identifiers: ClinVar variation 93044 (VCV000093044.27), dbSNP rs3135109, ClinGen allele CA146335.